The following is an entry in ClinVar:

ClinVar aggregate classification (germline): Uncertain significance. Review status: criteria provided, multiple submitters, no conflicts (2 of 4 stars). 3 submissions from 3 submitters: Uncertain significance (3). Last evaluated 2024-11-05.

Conditions:
RASopathy. Also called: rasopathies; Noonan spectrum disorder. Identifiers: Orphanet 536391, MedGen C5555857, MONDO:0021060.
Cardiovascular phenotype. Identifiers: MedGen CN230736.

gnomAD v4.1: 7 of 1,613,852 alleles (0.00043%); highest among the groups gnomAD compares: Non-Finnish European, 0.00059%; no homozygotes.

Submissions (3):

Labcorp Genetics (formerly Invitae), Labcorp
Classification: Uncertain significance for RASopathy. Last evaluated: 2024-11-05. Review status: criteria provided, single submitter. Criteria: Invitae Variant Classification Sherloc (09022015). Collection method: clinical testing. Allele origin: germline.
Comment: This sequence change replaces threonine, which is neutral and polar, with methionine, which is neutral and non-polar, at codon 273 of the CBL protein (p.Thr273Met). This variant is not present in population databases (gnomAD no frequency). This variant has not been reported in the literature in individuals affected with CBL-related conditions. Invitae Evidence Modeling of protein sequence and biophysical properties (such as structural, functional, and spatial information, amino acid conservation, physicochemical variation, residue mobility, and thermodynamic stability) indicates that this missense variant is expected to disrupt CBL protein function with a positive predictive value of 95%. In summary, the available evidence is currently insufficient to determine the role of this variant in disease. Therefore, it has been classified as a Variant of Uncertain Significance.

Ambry Genetics
Classification: Uncertain significance for Cardiovascular phenotype. Last evaluated: 2024-09-02. Review status: criteria provided, single submitter. Criteria: Ambry Variant Classification Scheme 2023. Collection method: clinical testing. Allele origin: germline.
Comment: The p.T273M variant (also known as c.818C>T), located in coding exon 5 of the CBL gene, results from a C to T substitution at nucleotide position 818. The threonine at codon 273 is replaced by methionine, an amino acid with similar properties. This amino acid position is conserved. In addition, this alteration is predicted to be deleterious by in silico analysis. Based on the available evidence, the clinical significance of this variant remains unclear.

Blueprint Genetics
Classification: Uncertain significance. Last evaluated: 2022-10-24. Review status: criteria provided, single submitter. Criteria: ACMG Guidelines, 2015. Collection method: clinical testing. Allele origin: germline.

NM_005188.4(CBL):c.818C>T (p.Thr273Met)

Gene: CBL (Cbl proto-oncogene; plus strand). Cytogenetic location: 11q23.3.
Variant type: single nucleotide variant.
Coding change: c.818C>T on transcript NM_005188.4 (MANE Select); coding-DNA position 818, C replaced by T.
Protein change: p.Thr273Met; replaces threonine 273 with methionine.
Molecular consequence: missense variant.
Genome position (GRCh38, 1-based): chr11:119,274,902, C>T. VCF-style: chr11-119274902-C-T. GRCh37 (hg19) VCF-style: chr11-119145612-C-T.
Other names: short protein forms T273M.
Identifiers: ClinVar variation 3485586 (VCV003485586.4).